The following is an entry in ClinVar:

NM_000494.4(COL17A1):c.3868C>T (p.Arg1290Trp)

Gene: COL17A1 (collagen type XVII alpha 1 chain; minus strand). Cytogenetic location: 10q25.1.
Variant type: single nucleotide variant.
Coding change: c.3868C>T on transcript NM_000494.4 (MANE Select); coding-DNA position 3868, C replaced by T.
Protein change: p.Arg1290Trp; replaces arginine 1290 with tryptophan.
Molecular consequence: missense variant.
Genome position (GRCh38, 1-based): chr10:104,034,233, G>A on the plus strand (C>T on the coding strand, the complement: COL17A1 is on the minus strand). VCF-style: chr10-104034233-G-A. GRCh37 (hg19) VCF-style: chr10-105793991-G-A.
Other names: short protein forms R1290W.
Identifiers: ClinVar variation 2385352 (VCV002385352.11), dbSNP rs150432542, ClinGen allele CA5677774.

ClinVar aggregate classification (germline): Uncertain significance. Review status: criteria provided, multiple submitters, no conflicts (2 of 4 stars). 2 submissions from 2 submitters: Uncertain significance (2). Last evaluated 2026-04-28.

Conditions:
Inborn genetic diseases. Identifiers: MedGen C0950123, MeSH D030342.

Allele frequency attached by ClinVar (database versions not stated): gnomAD exomes 0.00004; ExAC 0.00017; 1000 Genomes Project 0.00020; 1000 Genomes Project 30x 0.00031; TOPMed 0.00041; gnomAD 0.00042; ESP Exome Variant Server 0.00054.
gnomAD v4.1: 123 of 1,611,584 alleles (0.0076%); highest among the groups gnomAD compares: African/African-American, 0.13%; no homozygotes.

Submissions (2):

Ambry Genetics
Classification: Uncertain significance for Inborn genetic diseases. Last evaluated: 2026-04-28. Review status: criteria provided, single submitter. Criteria: Ambry Variant Classification Scheme 2023. Collection method: clinical testing. Allele origin: germline.

CeGaT Center for Human Genetics Tuebingen
Classification: Uncertain significance. Last evaluated: 2025-03-01. Review status: criteria provided, single submitter. Criteria: CeGaT Center For Human Genetics Tuebingen Variant Classification Criteria Version 2. Collection method: clinical testing. Allele origin: germline. Affected: yes. Observed: 1 variant allele.
Comment: COL17A1: PM2, BP4